The following is an entry in ClinVar:

ClinVar aggregate classification (germline): Uncertain significance. Review status: criteria provided, multiple submitters, no conflicts (2 of 4 stars). 2 submissions from 2 submitters: Uncertain significance (2). Last evaluated 2024-07-01.

Allele frequency attached by ClinVar (database versions not stated): gnomAD 0.00002 and 0.00003; gnomAD exomes 0.00002 and 0.00003; TOPMed 0.00002.
gnomAD v4.1: 48 of 1,613,936 alleles (0.003%); highest among the groups gnomAD compares: African/African-American, 0.0067%; no homozygotes.

Submissions (2):

CeGaT Center for Human Genetics Tuebingen
Classification: Uncertain significance. Last evaluated: 2024-07-01. Review status: criteria provided, single submitter. Criteria: CeGaT Center For Human Genetics Tuebingen Variant Classification Criteria Version 2. Collection method: clinical testing. Allele origin: germline. Affected: yes. Observed: 1 variant allele.
Comment: ANK3: PM2

Genetic Services Laboratory, University of Chicago
Classification: Uncertain significance. Last evaluated: 2016-08-08. Review status: criteria provided, single submitter. Criteria: ACMG Guidelines, 2015. Collection method: clinical testing. Allele origin: germline. Affected: no.

NM_020987.5(ANK3):c.6886C>T (p.His2296Tyr)

Genes: ANK3 (ankyrin 3; minus strand), LOC130003862 (ATAC-STARR-seq lymphoblastoid active region 3393; plus strand). Cytogenetic location: 10q21.2.
Variant type: single nucleotide variant.
Coding change: c.6886C>T on transcript NM_020987.5 (MANE Select); coding-DNA position 6886, C replaced by T.
Protein change: p.His2296Tyr; replaces histidine 2296 with tyrosine.
Molecular consequence: missense variant. On other transcripts: intron variant (4).
Genome position (GRCh38, 1-based): chr10:60,073,995, G>A on the plus strand (C>T on the coding strand, the complement: ANK3 is on the minus strand). VCF-style: chr10-60073995-G-A. GRCh37 (hg19) VCF-style: chr10-61833753-G-A.
Other names: c.1808-5986C>T (NM_001149.4); c.4388-5986C>T (NM_001204403.2); c.4409-5986C>T (NM_001204404.2); c.4406-5986C>T (NM_001320874.2); short protein forms H2296Y.
Identifiers: ClinVar variation 434165 (VCV000434165.23), dbSNP rs766586650, ClinGen allele CA207325631.